The following is an entry in ClinVar:

ClinVar aggregate classification (germline): Pathogenic (1 of 4 stars; one submission).

Submission:

Labcorp Genetics (formerly Invitae), Labcorp
Classification: Pathogenic. Last evaluated: 2020-08-29. Review status: criteria provided, single submitter. Criteria: Invitae Variant Classification Sherloc (09022015). Collection method: clinical testing. Allele origin: germline.
Comment: This variant is not present in population databases (ExAC no frequency). This variant has been observed in individual(s) with Usher syndrome (PMID: 28894305). Loss-of-function variants in USH2A are known to be pathogenic (PMID: 10729113, 10909849, 20507924, 25649381). For these reasons, this variant has been classified as Pathogenic. This sequence change creates a premature translational stop signal (p.Thr2815Tyrfs*20) in the USH2A gene. It is expected to result in an absent or disrupted protein product.

Literature cited by the submitters: PubMed 28894305; PubMed 10729113; PubMed 10909849; PubMed 20507924; PubMed 25649381.

NM_206933.4(USH2A):c.8442dup (p.Thr2815fs)

Gene: USH2A (usherin; minus strand). Cytogenetic location: 1q41.
Variant type: Duplication.
Coding change: c.8442dup on transcript NM_206933.4 (MANE Select); coding-DNA position 8442, one base duplicated (T; older notation c.8442dupT).
Protein change: p.Thr2815fs; shifts the reading frame from threonine 2815.
Molecular consequence: frameshift variant.
Genome position (GRCh38, 1-based): chr1:215,878,880, A duplicated on the plus strand (T on the coding strand, the reverse complement: USH2A is on the minus strand); the first of 2 consecutive A bases (chr1:215,878,880-215,878,881); duplicating either gives the same sequence. VCF-style (leftmost placement, unchanged base first): chr1-215878879-T-TA. GRCh37 (hg19) VCF-style: chr1-216052221-T-TA.
Other names: short protein forms T2815fs.
Identifiers: ClinVar variation 1075688 (VCV001075688.9), dbSNP rs2102451706, ClinGen allele CA2499214478.
Genomic context (GRCh38, chr1:215,878,879, plus strand): 5'-ATTCACTTAGTGGAATCACAGACAATGGGCCAACATTCTGAGGTACGGTGGGGTGAGTGG[T>TA]AACATAGGTAGGTAAACTCTCTGTGCACCCTCCAAGGTACCCATTACCCCCTGAGCAAGC-3'